The following is an entry in ClinVar:

ClinVar aggregate classification (germline): Likely pathogenic. Review status: reviewed by expert panel (3 of 4 stars). 2 submissions from 2 submitters: Likely pathogenic (1). 1 of the submissions does not count toward it. Last evaluated 2026-10-05.

Conditions:
Hereditary thrombocytopenia and hematologic cancer predisposition syndrome. Identifiers: Orphanet 71290, MedGen CN281654, MONDO:0011071.
Hereditary thrombocytopenia and hematological cancer predisposition syndrome associated with RUNX1. Also called: PLATELET DISORDER, ASPIRIN-LIKE; Familial Platelet Disorder with Propensity to Acute Myelogenous Leukemia; Familial thrombocytopenia with propensity to acute myelogenous leukemia; RUNX1 Familial Platelet Disorder with Associated Myeloid Malignancies. Identifiers: Orphanet 71290, MedGen C1832388, MeSH C563324, MONDO:0100083, OMIM 601399.

Submissions (2):

ClinGen Myeloid Malignancy Variant Curation Expert Panel
Classification: Likely pathogenic for Hereditary thrombocytopenia and hematologic cancer predisposition syndrome. Last evaluated: 2026-10-05. Review status: reviewed by expert panel. Criteria: ClinGen MyeloMalig ACMG Specifications V3.1. Collection method: curation. Allele origin: germline. Inheritance: Autosomal dominant inheritance.
Comment: NM_001754.5(RUNX1):c.1233_1236dup (p.Ser413fs) is a frameshift variant which is not predicted to undergo NMD (PVS1_Strong). This variant is downstream of c.98 (PM5_Supporting) and is completely absent from all population databases with at least 20x coverage for RUNX1 (PM2_Supporting). In summary, this variant meets criteria to be classified as likely pathogenic. ACMG/AMP criteria applied, as specified by the ClinGen Myeloid Malignancy Variant Curation Expert Panel for RUNX1: PVS1_Strong, PM5_Supporting, PM2_Supporting.

Labcorp Genetics (formerly Invitae), Labcorp
Classification: Uncertain significance for Hereditary thrombocytopenia and hematological cancer predisposition syndrome associated with RUNX1. Last evaluated: 2023-06-13. Review status: criteria provided, single submitter. Criteria: Invitae Variant Classification Sherloc (09022015). Collection method: clinical testing. Allele origin: germline. Not counted in ClinVar's aggregate classification.
Comment: Experimental studies and prediction algorithms are not available or were not evaluated, and the functional significance of this variant is currently unknown. In summary, the available evidence is currently insufficient to determine the role of this variant in disease. Therefore, it has been classified as a Variant of Uncertain Significance. This variant has not been reported in the literature in individuals affected with RUNX1-related conditions. This variant is not present in population databases (gnomAD no frequency). This sequence change results in a frameshift in the RUNX1 gene (p.Ser413Argfs*188). While this is not anticipated to result in nonsense mediated decay, it is expected to disrupt the last 68 amino acid(s) of the RUNX1 protein and extend the protein by 119 additional amino acid residues.

NM_001754.5(RUNX1):c.1233_1236dup (p.Ser413fs)

Gene: RUNX1 (RUNX family transcription factor 1; minus strand). Cytogenetic location: 21q22.12.
Variant type: Microsatellite.
Coding change: c.1233_1236dup on transcript NM_001754.5 (MANE Select); coding-DNA positions 1233 to 1236, 4 bases duplicated (CGGC; older notation c.1233_1236dupCGGC).
Protein change: p.Ser413fs; shifts the reading frame from serine 413.
Molecular consequence: frameshift variant.
Genome position (GRCh38, 1-based): chr21:34,792,342-34,792,345, GCCG duplicated on the plus strand (CGGC on the coding strand, the reverse complement: RUNX1 is on the minus strand); duplicating any 4 consecutive bases within chr21:34,792,342-34,792,349 gives the same sequence; the c. name uses the placement nearest the transcript's 3' end. VCF-style (leftmost placement, unchanged base first): chr21-34792341-A-AGCCG. GRCh37 (hg19) VCF-style: chr21-36164638-A-AGCCG.
Other names: NM_001754.5(RUNX1):c.1233_1236dup; p.Ser413fs; c.1152_1155dup, p.Ser386fs (NM_001001890.3); short protein forms S413fs, S386fs.
Identifiers: ClinVar variation 2008798 (VCV002008798.6), dbSNP rs2516818506, ClinGen allele CA2580616386.